The following is an entry in ClinVar:

ClinVar aggregate classification (germline): Uncertain significance. Review status: criteria provided, multiple submitters, no conflicts (2 of 4 stars). 5 submissions from 5 submitters: Uncertain significance (5). Last evaluated 2025-11-19.

Conditions:
Colorectal cancer. Also called: Malignant Colorectal Neoplasm; Colorectal cancer, somatic. Identifiers: MedGen C0346629, MONDO:0005575, OMIM 114500.
Hereditary cancer-predisposing syndrome. Also called: Hereditary neoplastic syndrome; Hereditary Cancer Syndrome; Tumor predisposition; Neoplastic Syndromes, Hereditary. Identifiers: Orphanet 140162, MedGen C0027672, MeSH D009386, MONDO:0015356.
Oligodontia-cancer predisposition syndrome. Also called: TOOTH AGENESIS-COLORECTAL CANCER SYNDROME. Identifiers: Orphanet 300576, MedGen C1837750, MONDO:0012075, OMIM 608615. Disease mechanism: loss of function.
Carcinoma of colon (CRC). Also called: Colon carcinoma; Colonic carcinoma. Identifiers: MedGen C0699790, MONDO:0002032.

Allele frequency attached by ClinVar (database versions not stated): gnomAD 0.00003; TOPMed 0.00002; ExAC 0.00003; gnomAD exomes 0.00001.
gnomAD v4.1: 25 of 1,557,668 alleles (0.0016%); highest among the groups gnomAD compares: African/African-American, 0.0054%; no homozygotes.

Submissions (5):

Labcorp Genetics (formerly Invitae), Labcorp
Classification: Uncertain significance for Oligodontia-cancer predisposition syndrome. Last evaluated: 2025-11-19. Review status: criteria provided, single submitter. Criteria: Invitae Variant Classification Sherloc (09022015). Collection method: clinical testing. Allele origin: germline.
Comment: This sequence change replaces proline, which is neutral and non-polar, with alanine, which is neutral and non-polar, at codon 455 of the AXIN2 protein (p.Pro455Ala). This variant is present in population databases (rs779863826, gnomAD 0.01%). This variant has not been reported in the literature in individuals affected with AXIN2-related conditions. ClinVar contains an entry for this variant (Variation ID: 408785). Invitae Evidence Modeling of protein sequence and biophysical properties (such as structural, functional, and spatial information, amino acid conservation, physicochemical variation, residue mobility, and thermodynamic stability) indicates that this missense variant is expected to disrupt AXIN2 protein function with a positive predictive value of 80%. In summary, the available evidence is currently insufficient to determine the role of this variant in disease. Therefore, it has been classified as a Variant of Uncertain Significance.

Ambry Genetics
Classification: Uncertain significance for Hereditary cancer-predisposing syndrome. Last evaluated: 2025-03-07. Review status: criteria provided, single submitter. Criteria: Ambry Variant Classification Scheme 2023. Collection method: clinical testing. Allele origin: germline.
Comment: The p.P455A variant (also known as c.1363C>G), located in coding exon 5 of the AXIN2 gene, results from a C to G substitution at nucleotide position 1363. The proline at codon 455 is replaced by alanine, an amino acid with highly similar properties. This amino acid position is highly conserved in available vertebrate species. In addition, the in silico prediction for this alteration is inconclusive. Since supporting evidence is limited at this time, the clinical significance of this alteration remains unclear.

Baylor Genetics
Classification: Uncertain significance for Colorectal cancer. Last evaluated: 2023-11-30. Review status: criteria provided, single submitter. Criteria: ACMG Guidelines, 2015. Collection method: clinical testing. Allele origin: unknown.

St. Jude Molecular Pathology, St. Jude Children's Research Hospital
Classification: Uncertain significance for Oligodontia-cancer predisposition syndrome. Last evaluated: 2022-05-16. Review status: criteria provided, single submitter. Criteria: St. Jude Assertion Criteria 2020. Collection method: clinical testing. Allele origin: germline.
Comment: The AXIN2 c.1363C>G (p.Pro455Ala) missense change has a maximum subpopulation frequency of 0.010% in gnomAD v2.1.1. It is predicted to have a damaging effect on protein function (PP3), but to our knowledge this prediction has not been confirmed by functional studies. To our knowledge, this variant has not been reported in individuals with oligodontia-cancer predisposition syndrome. In summary, this variant meets criteria to be classified as of uncertain significance based on the ACMG/AMP criteria: PP3.

Fulgent Genetics
Classification: Uncertain significance for Colorectal cancer; Oligodontia-cancer predisposition syndrome. Last evaluated: 2018-10-31. Review status: criteria provided, single submitter. Criteria: ACMG Guidelines, 2015. Collection method: clinical testing. Allele origin: unknown.

NM_004655.4(AXIN2):c.1363C>G (p.Pro455Ala)

Gene: AXIN2 (axin 2; minus strand). Cytogenetic location: 17q24.1.
Variant type: single nucleotide variant.
Coding change: c.1363C>G on transcript NM_004655.4 (MANE Select); coding-DNA position 1363, C replaced by G.
Protein change: p.Pro455Ala; replaces proline 455 with alanine.
Molecular consequence: missense variant.
Genome position (GRCh38, 1-based): chr17:65,537,673, G>C on the plus strand (C>G on the coding strand, the complement: AXIN2 is on the minus strand). VCF-style: chr17-65537673-G-C. GRCh37 (hg19) VCF-style: chr17-63533791-G-C.
Other names: c.1363C>G (LRG_296t1); c.1363C>G, p.Pro455Ala (NM_001363813.1); short protein forms P455A.
Identifiers: ClinVar variation 408785 (VCV000408785.18), dbSNP rs779863826, ClinGen allele CA8718673.